The following is an entry in ClinVar:

ClinVar aggregate classification (germline): Benign. Review status: criteria provided, multiple submitters, no conflicts (2 of 4 stars). 3 submissions from 3 submitters: Benign (3). Last evaluated 2018-06-19.

Allele frequency attached by ClinVar (database versions not stated): 1000 Genomes Project 30x 0.02733; 1000 Genomes Project 0.02756; TOPMed 0.05789; ESP Exome Variant Server 0.06151; ExAC 0.06244.
gnomAD v4.1: 127,873 of 1,593,966 alleles (8%); highest among the groups gnomAD compares: Non-Finnish European, 9.4%; 5,918 homozygotes.

Submissions (3):

GeneDx
Classification: Benign. Last evaluated: 2018-06-19. Review status: criteria provided, single submitter. Criteria: GeneDx Variant Classification (06012015). Collection method: clinical testing. Allele origin: germline. Affected: yes.
Comment: This variant is considered likely benign or benign based on one or more of the following criteria: it is a conservative change, it occurs at a poorly conserved position in the protein, it is predicted to be benign by multiple in silico algorithms, and/or has population frequency not consistent with disease.

PreventionGenetics, part of Exact Sciences
Classification: Benign. Last evaluated: 2013-10-30. Review status: criteria provided, single submitter. Criteria: ACMG Guidelines, 2015. Collection method: clinical testing. Allele origin: germline.

Breakthrough Genomics
Classification: Benign. Review status: criteria provided, single submitter. Criteria: ACMG Guidelines, 2015. Collection method: not provided. Allele origin: germline. Inheritance: Autosomal recessive inheritance. Affected: yes.

NM_000540.3(RYR1):c.15021+37G>T

Gene: RYR1 (ryanodine receptor 1; plus strand). Cytogenetic location: 19q13.2.
Variant type: single nucleotide variant.
Coding change: c.15021+37G>T on transcript NM_000540.3 (MANE Select); 37 bases into the intron after coding-DNA position 15021, G replaced by T.
Molecular consequence: intron variant.
Genome position (GRCh38, 1-based): chr19:38,586,613, G>T. VCF-style: chr19-38586613-G-T. GRCh37 (hg19) VCF-style: chr19-39077253-G-T.
Other names: c.15006+37G>T (NM_001042723.2).
Identifiers: ClinVar variation 256455 (VCV000256455.3), dbSNP rs73032657, ClinGen allele CA061987.